The following is an entry in ClinVar:

NM_033380.3(COL4A5):c.1606G>C (p.Gly536Arg)

Gene: COL4A5 (collagen type IV alpha 5 chain; plus strand). Cytogenetic location: Xq22.3.
Variant type: single nucleotide variant.
Coding change: c.1606G>C on transcript NM_033380.3 (MANE Select); coding-DNA position 1606, G replaced by C.
Protein change: p.Gly536Arg; replaces glycine 536 with arginine.
Molecular consequence: missense variant.
Genome position (GRCh38, 1-based): chrX:108,597,395, G>C. VCF-style: chrX-108597395-G-C. GRCh37 (hg19) VCF-style: chrX-107840625-G-C.
Other names: c.1606G>C, p.Gly536Arg (NM_000495.5); short protein forms G536R.
Identifiers: ClinVar variation 4292217 (VCV004292217.1).
Genomic context (GRCh38, chrX:108,597,395, plus strand): 5'-TCTTTTTCCACTCTTTTTTCTTTTTTTCCTTACTCATTTCAGGGCATTCCAGGAGCTCCA[G>C]GTGCTCCAGGCTTTCCTGGATCTAAAGGTGAACCTGGTGATATCCTCACTTTTCCAGGAA-3'
Protein context (NP_203699.1, residues 526-546): KGLPGIPGAP[Gly536Arg]APGFPGSKGE

ClinVar aggregate classification (germline): Uncertain significance (1 of 4 stars; one submission).

Conditions:
X-linked Alport syndrome (ATS1). Also called: COL4A5-Related Nephropathy; NEPHROPATHY AND DEAFNESS, X-LINKED. Identifiers: Orphanet 63, Orphanet 88917, MedGen C4746986, MONDO:0010520, OMIM 301050.

Submission:

3billion
Classification: Uncertain significance for X-linked Alport syndrome. Last evaluated: 2024-07-15. Review status: criteria provided, single submitter. Criteria: ACMG Guidelines, 2015. Collection method: clinical testing. Allele origin: germline. Affected: yes.
Comment: The variant is not observed in the gnomAD v4.0.0 dataset. Predicted Consequence/Location: Missense variant In silico tool predictions suggest damaging effect of the variant on gene or gene product [REVEL: 0.98 (>=0.6, sensitivity 0.68 and specificity 0.92); 3Cnet: 0.95 (>=0.6, sensitivity 0.72 and precision 0.9)]. Different missense changes at the same codon (p.Gly536Asp, p.Gly536Cys, p.Gly536Ser) have been reported as pathogenic/likely pathogenic with strong evidence (ClinVar ID: VCV000024429, VCV002862472 /PMID: 17660027, 29270492). Therefore, this variant is classified as VUS according to the recommendation of ACMG/AMP guideline.

Literature cited by the submitters: PubMed 17660027.